The following is an entry in ClinVar:

NM_024675.4(PALB2):c.2829G>A (p.Glu943=)

Gene: PALB2 (partner and localizer of BRCA2; minus strand). Cytogenetic location: 16p12.2.
Variant type: single nucleotide variant.
Coding change: c.2829G>A on transcript NM_024675.4 (MANE Select); coding-DNA position 2829, G replaced by A.
Protein change: p.Glu943=; no amino-acid change (glutamic acid 943 retained).
Molecular consequence: synonymous variant.
Genome position (GRCh38, 1-based): chr16:23,624,014, C>T on the plus strand (G>A on the coding strand, the complement: PALB2 is on the minus strand). VCF-style: chr16-23624014-C-T. GRCh37 (hg19) VCF-style: chr16-23635335-C-T.
Identifiers: ClinVar variation 530261 (VCV000530261.10), dbSNP rs1555459706, ClinGen allele CA494181059.

ClinVar aggregate classification (germline): Benign/Likely benign. Review status: criteria provided, multiple submitters, no conflicts (2 of 4 stars). 2 submissions from 2 submitters: Benign (1); Likely benign (1). Last evaluated 2025-07-14.

Conditions:
Familial cancer of breast. Also called: BREAST CANCER, FAMILIAL; Hereditary breast cancer; hereditary breast carcinoma. Identifiers: Orphanet 227535, MedGen C0346153, MONDO:0016419, OMIM 114480. Disease mechanism: loss of function.

Submissions (2):

Labcorp Genetics (formerly Invitae), Labcorp
Classification: Likely benign for Familial cancer of breast. Last evaluated: 2025-07-14. Review status: criteria provided, single submitter. Criteria: Invitae Variant Classification Sherloc (09022015). Collection method: clinical testing. Allele origin: germline.

Myriad Genetics, Inc.
Classification: Benign for Familial cancer of breast. Last evaluated: 2025-01-17. Review status: criteria provided, single submitter. Criteria: Myriad Autosomal Dominant, Autosomal Recessive and X-Linked Classification Criteria (2023). Collection method: clinical testing. Allele origin: unknown.
Comment: This variant is considered benign. This variant is a silent/synonymous amino acid change and it is not expected to impact splicing.